The following is an entry in ClinVar:

NM_001148.6(ANK2):c.5489A>G (p.His1830Arg)

Genes: ANK2 (ankyrin 2; plus strand), LOC126807136 (MED14-independent group 3 enhancer GRCh37_chr4:114274931-114276130; plus strand). Cytogenetic location: 4q26.
Variant type: single nucleotide variant.
Coding change: c.5489A>G on transcript NM_001148.6 (MANE Select); coding-DNA position 5489, A replaced by G.
Protein change: p.His1830Arg; replaces histidine 1830 with arginine.
Molecular consequence: missense variant. On other transcripts: intron variant (68).
Genome position (GRCh38, 1-based): chr4:113,354,107, A>G. VCF-style: chr4-113354107-A-G. GRCh37 (hg19) VCF-style: chr4-114275263-A-G.
Other names: c.5255A>G, p.His1752Arg (NM_001386142.1); c.1889A>G, p.His630Arg (NM_001386166.1); c.5630A>G, p.His1877Arg (NM_001386174.1); c.5606A>G, p.His1869Arg (NM_001386175.1); c.4411+3858A>G (NM_001386186.2, NM_001386148.2); c.4213+3858A>G (NM_001354269.3); c.4291+3858A>G (NM_001386187.2); c.4252+3858A>G (NM_001386147.1); and 35 more; short protein forms H1830R, H1877R, H630R, H1869R, H1752R.
Identifiers: ClinVar variation 1747831 (VCV001747831.3), dbSNP rs770168392, ClinGen allele CA3051241.

ClinVar aggregate classification (germline): Uncertain significance. Review status: criteria provided, multiple submitters, no conflicts (2 of 4 stars). 2 submissions from 2 submitters: Uncertain significance (2). Last evaluated 2026-01-06.

Conditions:
Long QT syndrome (LQTS). Identifiers: MedGen C0023976, MeSH D008133, MONDO:0002442. Disease mechanism: loss of function. Inheritance: Various modes of inheritance.
Cardiovascular phenotype. Identifiers: MedGen CN230736.

Allele frequency attached by ClinVar (database versions not stated): gnomAD 0.00001; gnomAD exomes 0.00001; ExAC 0.00002; TOPMed 0.00002.
gnomAD v4.1: 9 of 1,613,604 alleles (0.00056%); highest among the groups gnomAD compares: Admixed American, 0.015%; no homozygotes.

Submissions (2):

Labcorp Genetics (formerly Invitae), Labcorp
Classification: Uncertain significance for Long QT syndrome. Last evaluated: 2026-01-06. Review status: criteria provided, single submitter. Criteria: Invitae Variant Classification Sherloc (09022015). Collection method: clinical testing. Allele origin: germline.
Comment: This sequence change replaces histidine, which is basic and polar, with arginine, which is basic and polar, at codon 1830 of the ANK2 protein (p.His1830Arg). This variant is present in population databases (rs770168392, gnomAD 0.02%). This variant has not been reported in the literature in individuals affected with ANK2-related conditions. ClinVar contains an entry for this variant (Variation ID: 1747831). An algorithm developed to predict the effect of missense changes on protein structure and function (PolyPhen-2) suggests that this variant is likely to be tolerated. In summary, the available evidence is currently insufficient to determine the role of this variant in disease. Therefore, it has been classified as a Variant of Uncertain Significance.

Ambry Genetics
Classification: Uncertain significance for Cardiovascular phenotype. Last evaluated: 2023-02-22. Review status: criteria provided, single submitter. Criteria: Ambry Variant Classification Scheme 2023. Collection method: clinical testing. Allele origin: germline.